The following is an entry in ClinVar:

NM_001128840.3(CACNA1D):c.3870C>A (p.Asp1290Glu)

Gene: CACNA1D (calcium voltage-gated channel subunit alpha1 D; plus strand). Cytogenetic location: 3p21.1.
Variant type: single nucleotide variant.
Coding change: c.3870C>A on transcript NM_001128840.3 (MANE Select); coding-DNA position 3870, C replaced by A.
Protein change: p.Asp1290Glu; replaces aspartic acid 1290 with glutamic acid.
Molecular consequence: missense variant.
Genome position (GRCh38, 1-based): chr3:53,762,081, C>A. VCF-style: chr3-53762081-C-A. GRCh37 (hg19) VCF-style: chr3-53796108-C-A.
Other names: c.3930C>A, p.Asp1310Glu (NM_000720.4); c.3870C>A, p.Asp1290Glu (NM_001128839.3); short protein forms D1290E, D1310E.
Identifiers: ClinVar variation 1508981 (VCV001508981.6), dbSNP rs1471149785, ClinGen allele CA353254593.
Genomic context (GRCh38, chr3:53,762,081, plus strand): 5'-CACGTTTGACTCCCTCATCGTAATCGGCAGCATTATAGACGTGGCCCTCAGCGAAGCAGA[C>A]GTGAGTATGCACCTGGCGTGGCCGCCACCTGTGTCCTCTCTCCTCTGTCTGTGCATACTC-3'
Protein context (NP_001122312.1, residues 1280-1300): SIIDVALSEA[Asp1290Glu]PTESENVPVP

ClinVar aggregate classification (germline): Uncertain significance (1 of 4 stars; one submission).

gnomAD v4.1: 11 of 1,601,752 alleles (0.00069%); highest among the groups gnomAD compares: Non-Finnish European, 0.00094%; no homozygotes.

Submission:

Labcorp Genetics (formerly Invitae), Labcorp
Classification: Uncertain significance. Last evaluated: 2024-10-15. Review status: criteria provided, single submitter. Criteria: Invitae Variant Classification Sherloc (09022015). Collection method: clinical testing. Allele origin: germline.
Comment: This sequence change replaces aspartic acid, which is acidic and polar, with glutamic acid, which is acidic and polar, at codon 1310 of the CACNA1D protein (p.Asp1310Glu). This variant is present in population databases (no rsID available, gnomAD 0.0009%). This variant has not been reported in the literature in individuals affected with CACNA1D-related conditions. ClinVar contains an entry for this variant (Variation ID: 1508981). An algorithm developed to predict the effect of missense changes on protein structure and function (PolyPhen-2) suggests that this variant is likely to be tolerated. In summary, the available evidence is currently insufficient to determine the role of this variant in disease. Therefore, it has been classified as a Variant of Uncertain Significance.